The following is an entry in ClinVar:

NM_000263.4(NAGLU):c.423T>C (p.Ser141=)

Gene: NAGLU (N-acetyl-alpha-glucosaminidase; plus strand). Cytogenetic location: 17q21.2.
Variant type: single nucleotide variant.
Coding change: c.423T>C on transcript NM_000263.4 (MANE Select); coding-DNA position 423, T replaced by C.
Protein change: p.Ser141=; no amino-acid change (serine 141 retained).
Molecular consequence: synonymous variant.
Genome position (GRCh38, 1-based): chr17:42,537,437, T>C. VCF-style: chr17-42537437-T-C. GRCh37 (hg19) VCF-style: chr17-40689455-T-C.
Identifiers: ClinVar variation 92694 (VCV000092694.31), dbSNP rs659497, ClinGen allele CA145931.

ClinVar aggregate classification (germline): Benign/Likely benign. Review status: criteria provided, multiple submitters, no conflicts (2 of 4 stars). 16 submissions from 15 submitters: Benign (9); Likely benign (1). 6 of the submissions do not count toward it. Last evaluated 2026-02-04.

Conditions:
NAGLU-related disorder. Also called: NAGLU-related condition.
Charcot-Marie-Tooth disease axonal type 2V. Also called: CHARCOT-MARIE-TOOTH NEUROPATHY, TYPE 2V; CHARCOT-MARIE-TOOTH DISEASE, AXONAL, AUTOSOMAL DOMINANT, TYPE 2V. Identifiers: Orphanet 447964, MedGen C5569050, MONDO:0014665, OMIM 616491.
Mucopolysaccharidosis, MPS-III-B (MPS3B). Also called: Mucopolysaccharidosis type IIIB (Sanfilippo B); N-ACETYL-ALPHA-D-GLUCOSAMINIDASE DEFICIENCY; NAGLU DEFICIENCY; SANFILIPPO SYNDROME B; MPS III B; MPS IIIB (Sanfilippo Syndrome Type B). Identifiers: Orphanet 79270, MedGen C0086648, MONDO:0009656, OMIM 252920.

Allele frequency attached by ClinVar (database versions not stated): ESP Exome Variant Server 0.99477; 1000 Genomes Project 30x 0.99750; gnomAD exomes 0.99289 and 0.99453; ExAC 0.99470; gnomAD 0.99480 and 0.99496; TOPMed 0.99480; 1000 Genomes Project 0.99760.
gnomAD v4.1: 1,603,057 of 1,614,250 alleles (99%); highest among the groups gnomAD compares: East Asian, 100%; 795,981 homozygotes.

Submissions (16):

Labcorp Genetics (formerly Invitae), Labcorp
Classification: Benign for Charcot-Marie-Tooth disease axonal type 2V; Mucopolysaccharidosis, MPS-III-B. Last evaluated: 2026-02-04. Review status: criteria provided, single submitter. Criteria: Invitae Variant Classification Sherloc (09022015). Collection method: clinical testing. Allele origin: germline.

Blueprint Genetics
Classification: Likely benign. Last evaluated: 2024-11-28. Review status: criteria provided, single submitter. Criteria: ACMG Guidelines, 2015. Collection method: clinical testing. Allele origin: germline.

Genome-Nilou Lab
Classification: Benign for Charcot-Marie-Tooth disease axonal type 2V. Last evaluated: 2021-07-10. Review status: criteria provided, single submitter. Criteria: ACMG Guidelines, 2015. Collection method: clinical testing. Allele origin: germline. Affected: no.

Genome-Nilou Lab
Classification: Benign for Mucopolysaccharidosis, MPS-III-B. Last evaluated: 2021-07-10. Review status: criteria provided, single submitter. Criteria: ACMG Guidelines, 2015. Collection method: clinical testing. Allele origin: germline. Affected: no.

Illumina Laboratory Services, Illumina
Classification: Benign for Mucopolysaccharidosis, MPS-III-B. Last evaluated: 2018-01-13. Review status: criteria provided, single submitter. Criteria: ICSL Variant Classification Criteria 13 December 2019. Collection method: clinical testing. Allele origin: germline.
Comment: This variant was observed in the ICSL laboratory as part of a predisposition screen in an ostensibly healthy population. It had not been previously curated by ICSL or reported in the Human Gene Mutation Database (HGMD: prior to June 1st, 2018), and was therefore a candidate for classification through an automated scoring system. Utilizing variant allele frequency, disease prevalence and penetrance estimates, and inheritance mode, an automated score was calculated to assess if this variant is too frequent to cause the disease. Based on the score and internal cut-off values, a variant classified as benign is not then subjected to further curation. The score for this variant resulted in a classification of benign for this disease.

Clinical Genetics DNA and cytogenetics Diagnostics Lab, Erasmus MC, Erasmus Medical Center
Classification: Benign for Mucopolysaccharidosis, MPS-III-B. Last evaluated: 2017-06-28. Review status: criteria provided, single submitter. Criteria: ACGS Guidelines, 2013. Collection method: clinical testing. Allele origin: germline. Affected: yes. Study: VKGL Data-share Consensus.

Women's Health and Genetics/Laboratory Corporation of America, LabCorp
Classification: Benign. Last evaluated: 2016-12-05. Review status: criteria provided, single submitter. Criteria: LabCorp Variant Classification Summary - May 2015. Collection method: clinical testing. Allele origin: germline.
Comment: Variant summary: The NAGLU c.423T>C (p.Ser141Ser) variant involves the alteration of a non-conserved nucleotide, resulting in a synonymous change. 5/5 splice prediction tools predict no significant impact on normal splicing. This variant was found in 120745/121388 control chromosomes (including 60052 homozygotes) at a frequency of 0.9947029, which is approximately 398 times the estimated maximal expected allele frequency of a pathogenic NAGLU variant (0.0025), showing that this variant is a benign polymorphism and allele C is an ancestral allele. In addition, clinical diagnostic laboratories/reputable databases have classified this variant as benign. Taken together, this variant is classified as Benign.

GeneDx
Classification: Benign. Last evaluated: 2015-03-03. Review status: criteria provided, single submitter. Criteria: GeneDx Variant Classification Process June 2021. Collection method: clinical testing. Allele origin: germline. Affected: yes.

Eurofins Ntd Llc (ga)
Classification: Benign. Last evaluated: 2013-10-23. Review status: criteria provided, single submitter. Criteria: EGL Classification Definitions 2015. Collection method: clinical testing. Allele origin: germline. Observed: 84 variant alleles, 1 heterozygote, 83 homozygotes.

Breakthrough Genomics
Classification: Benign. Review status: criteria provided, single submitter. Criteria: ACMG Guidelines, 2015. Collection method: not provided. Allele origin: germline. Inheritance: Autosomal recessive inheritance. Affected: yes.

PreventionGenetics, part of Exact Sciences
Classification: Benign for NAGLU-related condition. Last evaluated: 2021-02-16. Review status: no assertion criteria provided. Collection method: clinical testing. Allele origin: germline. Not counted in ClinVar's aggregate classification.
Comment: This variant is classified as benign based on ACMG/AMP sequence variant interpretation guidelines (Richards et al. 2015 PMID: 25741868, with internal and published modifications).

Natera, Inc.
Classification: Benign for Mucopolysaccharidosis type IIIB. Last evaluated: 2020-09-16. Review status: no assertion criteria provided. Collection method: clinical testing. Allele origin: germline. Not counted in ClinVar's aggregate classification.

Mayo Clinic Laboratories, Mayo Clinic
Classification: Benign. Last evaluated: 2015-10-23. Review status: no assertion criteria provided. Collection method: clinical testing. Allele origin: unknown. Not counted in ClinVar's aggregate classification.

Clinical Genetics, Academic Medical Center
Classification: Benign. Review status: no assertion criteria provided. Collection method: clinical testing. Allele origin: germline. Affected: yes. Study: VKGL Data-share Consensus. Not counted in ClinVar's aggregate classification.

Diagnostic Laboratory, Department of Genetics, University Medical Center Groningen
Classification: Benign for Mucopolysaccharidosis, MPS-III-B. Review status: no assertion criteria provided. Collection method: clinical testing. Allele origin: germline. Affected: yes. Study: VKGL Data-share Consensus. Not counted in ClinVar's aggregate classification.

Genome Diagnostics Laboratory, University Medical Center Utrecht
Classification: Benign. Review status: no assertion criteria provided. Collection method: clinical testing. Allele origin: germline. Affected: yes. Study: VKGL Data-share Consensus. Not counted in ClinVar's aggregate classification.